The following is an entry in ClinVar:

NM_004415.4(DSP):c.8524C>T (p.Arg2842Cys)

Gene: DSP (desmoplakin; plus strand). Cytogenetic location: 6p24.3.
Variant type: single nucleotide variant.
Coding change: c.8524C>T on transcript NM_004415.4 (MANE Select); coding-DNA position 8524, C replaced by T.
Protein change: p.Arg2842Cys; replaces arginine 2842 with cysteine.
Molecular consequence: missense variant.
Genome position (GRCh38, 1-based): chr6:7,585,786, C>T. VCF-style: chr6-7585786-C-T. GRCh37 (hg19) VCF-style: chr6-7586019-C-T.
Other names: p.Arg2842Cys; c.8524C>T (LRG_423t1, NM_004415.3); c.6727C>T, p.Arg2243Cys (NM_001008844.3); c.7195C>T, p.Arg2399Cys (NM_001319034.2); short protein forms R2842C, R2243C, R2399C.
Identifiers: ClinVar variation 405238 (VCV000405238.23), dbSNP rs144850908, ClinGen allele CA16612075.

ClinVar aggregate classification (germline): Conflicting classifications of pathogenicity. Review status: criteria provided, conflicting classifications (1 of 4 stars). 7 submissions from 7 submitters: Uncertain significance (6); Likely benign (1). Last evaluated 2026-04-03.

Conditions:
DSP-related disorder. Also called: DSP-related disorders; DSP-related condition.
Cardiovascular phenotype. Identifiers: MedGen CN230736.
Arrhythmogenic right ventricular dysplasia 8 (ARVD8). Also called: ARRHYTHMOGENIC RIGHT VENTRICULAR DYSPLASIA, FAMILIAL, 8; ARRHYTHMOGENIC RIGHT VENTRICULAR CARDIOMYOPATHY 8; Arrhythmogenic Right Ventricular Dysplasia/Cardiomyopathy 8. Identifiers: MedGen C1843896, MONDO:0011831, OMIM 607450.
Arrhythmogenic cardiomyopathy with wooly hair and keratoderma. Also called: PALMOPLANTAR KERATODERMA WITH LEFT VENTRICULAR CARDIOMYOPATHY AND WOOLLY HAIR; Carvajal syndrome; Arrhythmogenic cardiomyopathy with woolly hair and keratoderma; Dilated cardiomyopathy with woolly hair and keratoderma. Identifiers: Orphanet 65282, MedGen C1854063, MONDO:0011581, OMIM 605676.
Cardiomyopathy (CMYO). Also called: Cardiomyopathies. Identifiers: Orphanet 167848, MedGen C0878544, MONDO:0004994, HP:0001638. Inheritance: Various modes of inheritance.
Brugada syndrome 1 (BRGDA1). Also called: RIGHT BUNDLE BRANCH BLOCK, ST SEGMENT ELEVATION, AND SUDDEN DEATH SYNDROME. Identifiers: Orphanet 130, MedGen C4551804, MONDO:0011001, OMIM 601144.

Allele frequency attached by ClinVar (database versions not stated): gnomAD exomes 0.00001 and 0.00004; gnomAD 0.00005; TOPMed 0.00005; ESP Exome Variant Server 0.00008.

Submissions (7):

PreventionGenetics, part of Exact Sciences
Classification: Uncertain significance for DSP-related condition. Last evaluated: 2026-04-03. Review status: criteria provided, single submitter. Criteria: ACMG Guidelines, 2015. Collection method: clinical testing. Allele origin: germline.
Comment: The DSP c.8524C>T variant is predicted to result in the amino acid substitution p.Arg2842Cys. This variant has been reported in individuals with dilated cardiomyopathy (Table S3, Mazzarotto et al. 2020. PubMed ID: 31983221; Table S9, McGurk et al. 2023. PubMed ID: 37652022) and in individuals with hypertrophic cardiomyopathy (Table S4, Kühnisch et al. 2019. PubMed ID: 31568572; Supplementary Table 1, Lopes et al. 2014. PubMed ID: 25351510). This variant is reported in 0.0040% of alleles in individuals of African descent in gnomAD. At this time, the clinical significance of this variant is uncertain due to the absence of conclusive functional and genetic evidence.

Labcorp Genetics (formerly Invitae), Labcorp
Classification: Likely benign for Arrhythmogenic cardiomyopathy with wooly hair and keratoderma; Arrhythmogenic right ventricular dysplasia 8. Last evaluated: 2025-10-31. Review status: criteria provided, single submitter. Criteria: Invitae Variant Classification Sherloc (09022015). Collection method: clinical testing. Allele origin: germline.

Ambry Genetics
Classification: Uncertain significance for Cardiovascular phenotype. Last evaluated: 2025-04-22. Review status: criteria provided, single submitter. Criteria: Ambry Variant Classification Scheme 2023. Collection method: clinical testing. Allele origin: germline.
Comment: The p.R2842C variant (also known as c.8524C>T), located in coding exon 24 of the DSP gene, results from a C to T substitution at nucleotide position 8524. The arginine at codon 2842 is replaced by cysteine, an amino acid with highly dissimilar properties. This alteration has been reported in hypertrophic cardiomyopathy cohorts and a dilated cardiomyopathy cohort (Lopes LR et al. Heart, 2015 Feb;101:294-301; K&uuml;hnisch J et al. Clin Genet, 2019 Dec;96:549-559; Mazzarotto F et al. Circulation, 2020 Feb;141:387-398). This amino acid position is well conserved in available vertebrate species. In addition, this alteration is predicted to be deleterious by in silico analysis. Based on the available evidence, the clinical significance of this variant remains unclear.

Petrovsky National Research Centre of Surgery, The Federal Agency for Scientific Organizations
Classification: Uncertain significance for Brugada syndrome 1. Last evaluated: 2024-06-18. Review status: criteria provided, single submitter. Criteria: ACMG Guidelines, 2015. Collection method: clinical testing. Allele origin: germline. Inheritance: Autosomal dominant inheritance. Affected: yes. Observed: 1 heterozygote.
Comment: The NM_004415:c.8524C>T (p.Arg2842Cys) variant is in The Genome Aggregation Database (gnomAD) v4.1.0 with total MAF 0.00004411 (Date of access 17-06-2024). Clinvar contains an entry for this variant (Variation ID: 405238). This variant has been reported in 3 studies in patients with variable phenotypes (PMID: 25351510‚ 31568572‚ 31983221). Most in silico predictors are inconclusive in the results. In accordance with ACMG(2015) criteria this variant is classified as Variant of Uncertain Significance (VUS) with following criteria selected: PM2.

All of Us Research Program, National Institutes of Health
Classification: Uncertain significance for Arrhythmogenic cardiomyopathy with wooly hair and keratoderma. Last evaluated: 2024-06-11. Review status: criteria provided, single submitter. Criteria: ACMG Guidelines, 2015. Collection method: clinical testing. Allele origin: germline. Inheritance: Autosomal dominant inheritance. Observed: 12 variant alleles, 12 heterozygotes.
Comment: This missense variant replaces arginine with cysteine at codon 2842 of the DSP protein. Computational prediction suggests that this variant may not impact protein structure and function (internally defined REVEL score threshold <= 0.5, PMID: 27666373). To our knowledge, functional studies have not been reported for this variant. This variant has been reported in an individual affected with dilated cardiomyopathy (PMID: 31983221) and in two individuals affected with hypertrophic cardiomyopathy (PMID: 25351510, 31568572). This variant has also been identified in 4/276380 chromosomes in the general population by the Genome Aggregation Database (gnomAD). The available evidence is insufficient to determine the role of this variant in disease conclusively. Therefore, this variant is classified as a Variant of Uncertain Significance.

This study involves interpretation of variants in research participants for the purpose of population health screening. Participant phenotype was not available at the time of variant classification. Additional details can be found in publication PMID: 35346344, PMCID: PMC8962531

Color Diagnostics, LLC DBA Color Health
Classification: Uncertain significance for Cardiomyopathy. Last evaluated: 2023-12-05. Review status: criteria provided, single submitter. Criteria: ACMG Guidelines, 2015. Collection method: clinical testing. Allele origin: germline.
Comment: This missense variant replaces arginine with cysteine at codon 2842 of the DSP protein. Computational prediction suggests that this variant may not impact protein structure and function (internally defined REVEL score threshold <= 0.5, PMID: 27666373). To our knowledge, functional studies have not been reported for this variant. This variant has been reported in an individual affected with dilated cardiomyopathy (PMID: 31983221) and in two individuals affected with hypertrophic cardiomyopathy (PMID: 25351510, 31568572). This variant has also been identified in 4/276380 chromosomes in the general population by the Genome Aggregation Database (gnomAD). The available evidence is insufficient to determine the role of this variant in disease conclusively. Therefore, this variant is classified as a Variant of Uncertain Significance.

GeneDx
Classification: Uncertain significance. Last evaluated: 2022-04-28. Review status: criteria provided, single submitter. Criteria: GeneDx Variant Classification Process June 2021. Collection method: clinical testing. Allele origin: germline. Affected: yes.
Comment: Identified in patients with cardiomyopathy in the published literature (Lopes et al., 2015; Kuhnisch et al., 2019; Mazzarotto et al., 2020); at least one patient also harbored a pathogenic variant in the MYBPC3 gene; Not observed at significant frequency in large population cohorts (gnomAD); In silico analysis supports that this missense variant has a deleterious effect on protein structure/function; This variant is associated with the following publications: (PMID: 31568572, 31983221, 25351510)

Literature cited by the submitters: PubMed 25351510 (cited by 3 submitters); PubMed 31568572 (cited by 3 submitters); PubMed 31983221 (cited by 3 submitters).